The following is an entry in ClinVar:

NM_001130965.3(SUN1):c.1074G>A (p.Pro358=)

Gene: SUN1 (Sad1 and UNC84 domain containing 1; plus strand). Cytogenetic location: 7p22.3.
Variant type: single nucleotide variant.
Coding change: c.1074G>A on transcript NM_001130965.3 (MANE Select); coding-DNA position 1074, G replaced by A.
Protein change: p.Pro358=; no amino-acid change (proline 358 retained).
Molecular consequence: synonymous variant. On other transcripts: non-coding transcript variant (3).
Genome position (GRCh38, 1-based): chr7:853,429, G>A. VCF-style: chr7-853429-G-A. GRCh37 (hg19) VCF-style: chr7-893066-G-A.
Other names: p.Pro358=; c.1008G>A, p.Pro336= (NM_001367701.1, NM_001367680.1); c.1086G>A, p.Pro362= (NM_001367702.1, NM_001367704.1); c.1467G>A, p.Pro489= (NM_001367703.1, NM_001367705.1); c.1206G>A, p.Pro402= (NM_001367706.1, NM_001367673.1); c.1203G>A, p.Pro401= (NM_001367707.1, NM_001367646.1); c.507G>A, p.Pro169= (NM_001367708.1); c.825G>A, p.Pro275= (NM_025154.6); and 40 more.
Identifiers: ClinVar variation 2860440 (VCV002860440.5), dbSNP rs752963929, ClinGen allele CA4112072.

ClinVar aggregate classification (germline): Likely benign. Review status: criteria provided, multiple submitters, no conflicts (2 of 4 stars). 3 submissions from 3 submitters: Likely benign (3). Last evaluated 2025-12-24.

Conditions:
Emery-Dreifuss muscular dystrophy (EDMD). Also called: Scapuloperoneal syndrome, X-linked (formerly); Humeroperoneal neuromuscular disease, (formerly). Identifiers: Orphanet 261, MedGen C0410189, MONDO:0016830.

Allele frequency attached by ClinVar (database versions not stated): ExAC 0.00002; gnomAD 0.00003; TOPMed 0.00003.
gnomAD v4.1: 23 of 1,613,724 alleles (0.0014%); highest among the groups gnomAD compares: African/African-American, 0.0053%; no homozygotes.

Submissions (3):

Labcorp Genetics (formerly Invitae), Labcorp
Classification: Likely benign for Emery-Dreifuss muscular dystrophy. Last evaluated: 2025-12-24. Review status: criteria provided, single submitter. Criteria: Invitae Variant Classification Sherloc (09022015). Collection method: clinical testing. Allele origin: germline.

Ambry Genetics
Classification: Likely benign. Last evaluated: 2025-05-14. Review status: criteria provided, single submitter. Criteria: Ambry Variant Classification Scheme 2023. Collection method: clinical testing. Allele origin: germline.

Mayo Clinic Laboratories, Mayo Clinic
Classification: Likely benign. Last evaluated: 2025-03-03. Review status: criteria provided, single submitter. Criteria: ACMG Guidelines, 2015. Collection method: clinical testing. Allele origin: germline. Observed: 1 variant allele.
Comment: BP4, BP7